The following is an entry in ClinVar:

NM_003737.4(DCHS1):c.6233G>A (p.Arg2078His)

Gene: DCHS1 (dachsous cadherin-related 1; minus strand). Cytogenetic location: 11p15.4.
Variant type: single nucleotide variant.
Coding change: c.6233G>A on transcript NM_003737.4 (MANE Select); coding-DNA position 6233, G replaced by A.
Protein change: p.Arg2078His; replaces arginine 2078 with histidine.
Molecular consequence: missense variant.
Genome position (GRCh38, 1-based): chr11:6,626,806, C>T on the plus strand (G>A on the coding strand, the complement: DCHS1 is on the minus strand). VCF-style: chr11-6626806-C-T. GRCh37 (hg19) VCF-style: chr11-6648037-C-T.
Other names: c.6233G>A (NM_003737.2, NM_003737.3); short protein forms R2078H.
Identifiers: ClinVar variation 1464387 (VCV001464387.11), dbSNP rs144463486, ClinGen allele CA5859929.

ClinVar aggregate classification (germline): Conflicting classifications of pathogenicity. Review status: criteria provided, conflicting classifications (1 of 4 stars). 4 submissions from 4 submitters: Uncertain significance (3); Likely benign (1). Last evaluated 2025-12-15.

Conditions:
Inborn genetic diseases. Identifiers: MedGen C0950123, MeSH D030342.
Van Maldergem syndrome 1 (VMLDS1). Also called: Van Maldergem syndrome 1 (VMLDS1). Identifiers: Orphanet 314679, MedGen C4551950, MONDO:0011070, OMIM 601390.
DCHS1-related disorder. Also called: DCHS1-related condition.

Allele frequency attached by ClinVar (database versions not stated): 1000 Genomes Project 30x 0.00016; 1000 Genomes Project 0.00020.
gnomAD v4.1: 70 of 1,612,338 alleles (0.0043%); highest among the groups gnomAD compares: South Asian, 0.0077%; no homozygotes.

Submissions (4):

Labcorp Genetics (formerly Invitae), Labcorp
Classification: Uncertain significance. Last evaluated: 2025-12-15. Review status: criteria provided, single submitter. Criteria: Invitae Variant Classification Sherloc (09022015). Collection method: clinical testing. Allele origin: germline.
Comment: This sequence change replaces arginine, which is basic and polar, with histidine, which is basic and polar, at codon 2078 of the DCHS1 protein (p.Arg2078His). This variant is present in population databases (rs144463486, gnomAD 0.02%). This variant has not been reported in the literature in individuals affected with DCHS1-related conditions. ClinVar contains an entry for this variant (Variation ID: 1464387). Invitae Evidence Modeling of protein sequence and biophysical properties (such as structural, functional, and spatial information, amino acid conservation, physicochemical variation, residue mobility, and thermodynamic stability) indicates that this missense variant is not expected to disrupt DCHS1 protein function with a negative predictive value of 80%. In summary, the available evidence is currently insufficient to determine the role of this variant in disease. Therefore, it has been classified as a Variant of Uncertain Significance.

PreventionGenetics, part of Exact Sciences
Classification: Uncertain significance for DCHS1-related condition. Last evaluated: 2025-12-04. Review status: criteria provided, single submitter. Criteria: ACMG Guidelines, 2015. Collection method: clinical testing. Allele origin: germline.
Comment: The DCHS1 c.6233G>A variant is predicted to result in the amino acid substitution p.Arg2078His. To our knowledge, this variant has not been reported in the literature. This variant is reported in 0.016% of alleles in individuals of South Asian descent in gnomAD. At this time, the clinical significance of this variant is uncertain due to the absence of conclusive functional and genetic evidence.

3billion
Classification: Likely benign for Van Maldergem syndrome 1. Last evaluated: 2024-09-20. Review status: criteria provided, single submitter. Criteria: ACMG Guidelines, 2015. Collection method: clinical testing. Allele origin: germline. Affected: no.
Comment: The homozygous variant was found in patients diagnosed with another variant in a different gene, with no symptoms related to the gene containing the homozygous variant.

Ambry Genetics
Classification: Uncertain significance for Inborn genetic diseases. Last evaluated: 2024-03-01. Review status: criteria provided, single submitter. Criteria: Ambry Variant Classification Scheme 2023. Collection method: clinical testing. Allele origin: germline.